The following is an entry in ClinVar:

NM_004415.4(DSP):c.8197A>C (p.Thr2733Pro)

Gene: DSP (desmoplakin; plus strand). Cytogenetic location: 6p24.3.
Variant type: single nucleotide variant.
Coding change: c.8197A>C on transcript NM_004415.4 (MANE Select); coding-DNA position 8197, A replaced by C.
Protein change: p.Thr2733Pro; replaces threonine 2733 with proline.
Molecular consequence: missense variant.
Genome position (GRCh38, 1-based): chr6:7,585,459, A>C. VCF-style: chr6-7585459-A-C. GRCh37 (hg19) VCF-style: chr6-7585692-A-C.
Other names: c.6400A>C, p.Thr2134Pro (NM_001008844.3); c.6868A>C, p.Thr2290Pro (NM_001319034.2); short protein forms T2134P, T2290P, T2733P.
Identifiers: ClinVar variation 2940958 (VCV002940958.4), dbSNP rs1157650702, ClinGen allele CA362694650.

ClinVar aggregate classification (germline): Uncertain significance. Review status: criteria provided, multiple submitters, no conflicts (2 of 4 stars). 2 submissions from 2 submitters: Uncertain significance (2). Last evaluated 2025-07-02.

Conditions:
Cardiovascular phenotype. Identifiers: MedGen CN230736.
Arrhythmogenic cardiomyopathy with wooly hair and keratoderma. Also called: PALMOPLANTAR KERATODERMA WITH LEFT VENTRICULAR CARDIOMYOPATHY AND WOOLLY HAIR; Carvajal syndrome; Dilated cardiomyopathy with woolly hair and keratoderma; Arrhythmogenic cardiomyopathy with woolly hair and keratoderma. Identifiers: Orphanet 65282, MedGen C1854063, MONDO:0011581, OMIM 605676.
Arrhythmogenic right ventricular dysplasia 8 (ARVD8). Also called: Arrhythmogenic Right Ventricular Dysplasia/Cardiomyopathy 8; ARRHYTHMOGENIC RIGHT VENTRICULAR DYSPLASIA, FAMILIAL, 8; ARRHYTHMOGENIC RIGHT VENTRICULAR CARDIOMYOPATHY 8. Identifiers: MedGen C1843896, MONDO:0011831, OMIM 607450.

Submissions (2):

Ambry Genetics
Classification: Uncertain significance for Cardiovascular phenotype. Last evaluated: 2025-07-02. Review status: criteria provided, single submitter. Criteria: Ambry Variant Classification Scheme 2023. Collection method: clinical testing. Allele origin: germline.

Labcorp Genetics (formerly Invitae), Labcorp
Classification: Uncertain significance for Arrhythmogenic cardiomyopathy with wooly hair and keratoderma; Arrhythmogenic right ventricular dysplasia 8. Last evaluated: 2023-12-19. Review status: criteria provided, single submitter. Criteria: Invitae Variant Classification Sherloc (09022015). Collection method: clinical testing. Allele origin: germline.
Comment: This sequence change replaces threonine, which is neutral and polar, with proline, which is neutral and non-polar, at codon 2733 of the DSP protein (p.Thr2733Pro). This variant is not present in population databases (gnomAD no frequency). This variant has not been reported in the literature in individuals affected with DSP-related conditions. An algorithm developed to predict the effect of missense changes on protein structure and function (PolyPhen-2) suggests that this variant is likely to be disruptive. In summary, the available evidence is currently insufficient to determine the role of this variant in disease. Therefore, it has been classified as a Variant of Uncertain Significance.